The following is an entry in ClinVar:

NM_006734.4(HIVEP2):c.5857G>A (p.Val1953Ile)

Gene: HIVEP2 (HIVEP zinc finger 2; minus strand). Cytogenetic location: 6q24.2.
Variant type: single nucleotide variant.
Coding change: c.5857G>A on transcript NM_006734.4 (MANE Select); coding-DNA position 5857, G replaced by A.
Protein change: p.Val1953Ile; replaces valine 1953 with isoleucine.
Molecular consequence: missense variant.
Genome position (GRCh38, 1-based): chr6:142,760,431, C>T on the plus strand (G>A on the coding strand, the complement: HIVEP2 is on the minus strand). VCF-style: chr6-142760431-C-T. GRCh37 (hg19) VCF-style: chr6-143081568-C-T.
Other names: c.5857G>A (NM_006734.3); short protein forms V1953I.
Identifiers: ClinVar variation 2049936 (VCV002049936.15), dbSNP rs376862866, ClinGen allele CA4027793.
Genomic context (GRCh38, chr6:142,760,431, plus strand): 5'-CCAAATAGCTGATCAACGAAGAATGTCCCAGGGAACTATCTGAAGGAACCCCGTGGGGTA[C>T]GGCGCCAACATTCACAGGCAAGGAGGAGAATCTAGGAGGCTGAGGACTGGTGCTTCTTGA-3'
Protein context (NP_006725.3, residues 1943-1963): FSSLPVNVGA[Val1953Ile]PHGVPSDSSL

ClinVar aggregate classification (germline): Likely benign. Review status: criteria provided, multiple submitters, no conflicts (2 of 4 stars). 3 submissions from 3 submitters: Likely benign (3). Last evaluated 2025-12-23.

Conditions:
Inborn genetic diseases. Identifiers: MedGen C0950123, MeSH D030342.

Allele frequency attached by ClinVar (database versions not stated): TOPMed 0.00006; gnomAD 0.00007; ESP Exome Variant Server 0.00008; 1000 Genomes Project 30x 0.00016; 1000 Genomes Project 0.00020.
gnomAD v4.1: 102 of 1,614,132 alleles (0.0063%); highest among the groups gnomAD compares: Middle Eastern, 0.016%; no homozygotes.

Submissions (3):

Labcorp Genetics (formerly Invitae), Labcorp
Classification: Likely benign. Last evaluated: 2025-12-23. Review status: criteria provided, single submitter. Criteria: Invitae Variant Classification Sherloc (09022015). Collection method: clinical testing. Allele origin: germline.

CeGaT Center for Human Genetics Tuebingen
Classification: Likely benign. Last evaluated: 2025-05-01. Review status: criteria provided, single submitter. Criteria: CeGaT Center For Human Genetics Tuebingen Variant Classification Criteria Version 2. Collection method: clinical testing. Allele origin: germline. Affected: yes. Observed: 1 variant allele.
Comment: HIVEP2: BP4

Ambry Genetics
Classification: Likely benign for Inborn genetic diseases. Last evaluated: 2023-09-19. Review status: criteria provided, single submitter. Criteria: Ambry Variant Classification Scheme 2023. Collection method: clinical testing. Allele origin: germline.